The following is an entry in ClinVar:

NM_000264.5(PTCH1):c.404G>C (p.Arg135Pro)

Gene: PTCH1 (patched 1; minus strand). Cytogenetic location: 9q22.32.
Variant type: single nucleotide variant.
Coding change: c.404G>C on transcript NM_000264.5 (MANE Select); coding-DNA position 404, G replaced by C.
Protein change: p.Arg135Pro; replaces arginine 135 with proline.
Molecular consequence: missense variant. On other transcripts: non-coding transcript variant (1), 5 prime UTR variant (4).
Genome position (GRCh38, 1-based): chr9:95,485,865, C>G on the plus strand (G>C on the coding strand, the complement: PTCH1 is on the minus strand). VCF-style: chr9-95485865-C-G. GRCh37 (hg19) VCF-style: chr9-98248147-C-G.
Other names: c.206G>C, p.Arg69Pro (NM_001083602.3, NM_001354919.2); c.401G>C, p.Arg134Pro (NM_001083603.3); c.-50G>C (NM_001083604.3, NM_001083605.3, NM_001083606.3 and 1 more transcripts); c.404G>C, p.Arg135Pro (NM_001354918.2); short protein forms R134P, R135P, R69P.
Identifiers: ClinVar variation 4862688 (VCV004862688.1).
Genomic context (GRCh38, chr9:95,485,865, plus strand): 5'-GGATTAAACATAGCCTCTTCTCCAATCTTCTGGCGAGTATAATTTAATTCACGACTTACT[C>G]GTCCTCCAACTGACAAATATGTACAGGTTTAATTAGAATAGCAAAATCACTGCAAACTCA-3'
Protein context (NP_000255.2, residues 125-145): VEELWVEVGG[Arg135Pro]VSRELNYTRQ

ClinVar aggregate classification (germline): Uncertain significance (1 of 4 stars; one submission).

Conditions:
Hereditary cancer-predisposing syndrome. Also called: Neoplastic Syndromes, Hereditary; Tumor predisposition; Hereditary Cancer Syndrome; Hereditary neoplastic syndrome. Identifiers: Orphanet 140162, MedGen C0027672, MeSH D009386, MONDO:0015356.

Submission:

Ambry Genetics
Classification: Uncertain significance for Hereditary cancer-predisposing syndrome. Last evaluated: 2026-04-30. Review status: criteria provided, single submitter. Criteria: Ambry Variant Classification Scheme 2023. Collection method: clinical testing. Allele origin: germline.
Comment: The p.R135P variant (also known as c.404G>C), located in coding exon 3 of the PTCH1 gene, results from a G to C substitution at nucleotide position 404. The arginine at codon 135 is replaced by proline, an amino acid with dissimilar properties. This amino acid position is highly conserved in available vertebrate species. In addition, this alteration is predicted to be deleterious by in silico analysis. Based on the available evidence, the clinical significance of this variant remains unclear.